The following is an entry in ClinVar:

ClinVar aggregate classification (germline): Uncertain significance (1 of 4 stars; one submission).

Submission:

Labcorp Genetics (formerly Invitae), Labcorp
Classification: Uncertain significance. Last evaluated: 2024-03-13. Review status: criteria provided, single submitter. Criteria: Invitae Variant Classification Sherloc (09022015). Collection method: clinical testing. Allele origin: germline.
Comment: This sequence change replaces glycine, which is neutral and non-polar, with arginine, which is basic and polar, at codon 874 of the KL protein (p.Gly874Arg). Information on the frequency of this variant in the gnomAD database is not available, as this variant may be reported differently in the database. This variant has not been reported in the literature in individuals affected with KL-related conditions. Experimental studies and prediction algorithms are not available or were not evaluated, and the functional significance of this variant is currently unknown. In summary, the available evidence is currently insufficient to determine the role of this variant in disease. Therefore, it has been classified as a Variant of Uncertain Significance.

NM_004795.4(KL):c.2619_2620inv (p.Gly874Arg)

Gene: KL (klotho; plus strand). Cytogenetic location: 13q13.1.
Variant type: Inversion.
Coding change: c.2619_2620inv on transcript NM_004795.4 (MANE Select).
Protein change: p.Gly874Arg; replaces glycine 874 with arginine.
Molecular consequence: missense variant.
Genome position: GRCh38 VCF-style: chr13-33061698-TG-CA. GRCh37 (hg19) VCF-style: chr13-33635835-TG-CA.
Other names: short protein forms G874R.
Identifiers: ClinVar variation 3610719 (VCV003610719.2).
Genomic context (GRCh38, chr13:33,061,698, plus strand): 5'-CAAAGTGCTGAACTGGCTGAAGTTCAAGTACGGAGACCTCCCCATGTACATAATATCCAA[TG>CA]GAATCGATGACGGGCTGCATGCTGAGGACGACCAGCTGAGGGTGTATTATATGCAGAATT-3'
Protein context (NP_004786.2, residues 864-884): GDLPMYIISN[Gly874Arg]IDDGLHAEDD